The following is an entry in ClinVar:

ClinVar aggregate classification (germline): Pathogenic. Review status: criteria provided, multiple submitters, no conflicts (2 of 4 stars). 6 submissions from 6 submitters: Pathogenic (5). 1 of the submissions does not count toward it. Last evaluated 2025-01-30.

Conditions:
Hereditary cancer-predisposing syndrome. Also called: Hereditary neoplastic syndrome; Hereditary Cancer Syndrome; Tumor predisposition; Neoplastic Syndromes, Hereditary. Identifiers: Orphanet 140162, MedGen C0027672, MeSH D009386, MONDO:0015356.
Familial adenomatous polyposis 1 (FAP1). Also called: FAMILIAL ADENOMATOUS POLYPOSIS 1, ATTENUATED; POLYPOSIS, ADENOMATOUS INTESTINAL. Identifiers: MedGen C2713442, MONDO:0021056, OMIM 175100. Disease mechanism: loss of function.
Carcinoma of colon (CRC). Also called: Colon carcinoma; Colonic carcinoma. Identifiers: MedGen C0699790, MONDO:0002032.

Submissions (6):

ARUP Laboratories, Molecular Genetics and Genomics, ARUP Laboratories
Classification: Pathogenic. Last evaluated: 2025-01-30. Review status: criteria provided, single submitter. Criteria: ARUP Molecular Germline Variant Investigation Process 2024. Collection method: clinical testing. Allele origin: germline.
Comment: The APC c.3920_3924del; p.Ile1307ArgfsTer6 variant (rs1064794229, ClinVar Variation ID 419999) is reported in the literature in individuals with familial adenomatous polyposis (Kerr 2013, Nieminen 2020). In addition, alternative changes at the same amino acid location also leading to frameshift, and several other downstream loss-of-function APC variants are also reported in individuals with familial adenomatous polyposis (Friedl 2005, Kerr 2013, Nilbert 2009, Plawski 2004, Thirlwell 2010), colorectal cancer (Manirakiza 2008), or colorectal adenomas (De Benedetti 1994). This variant is absent from the Genome Aggregation Database (v2.1.1), indicating it is not a common polymorphism. This variant causes a frameshift by deleting 5 nucleotides, so it is predicted to result in a truncated protein or mRNA subject to nonsense-mediated decay. Based on available information, this variant is considered to be pathogenic. References: De Benedetti L, Sciallero S, Gismondi V, James R, Bafico A, Biticchi R, Masetti E, Bonelli L, Heouaine A, Picasso M, et al. Association of APC gene mutations and histological characteristics of colorectal adenomas. Cancer Res. 1994 Jul 1;54(13):3553-6. PMID: 8012980. Friedl W et al. Familial adenomatous polyposis: experience from a study of 1164 unrelated german polyposis patients. Hered Cancer Clin Pract. 2005 Sep 15. PMID: 20223039. Kerr SE et al. APC germline mutations in individuals being evaluated for familial adenomatous polyposis: a review of the Mayo Clinic experience with 1591 consecutive tests. J Mol Diagn. 2013 Jan;15(1):31-43. PMID: 23159591. Manirakiza F et al. Clinicopathological Characteristics and Mutational Landscape of APC, HOXB13, and KRAS among Rwandan Patients with Colorectal Cancer. Curr Issues Mol Biol. 2023 May 16;45(5):4359-4374. PMID: 37232746. Nieminen TT et al. Thyroid Carcinomas That Occur in Familial Adenomatous Polyposis Patients Recurrently Harbor Somatic Variants in APC, BRAF, and KTM2D. Thyroid. 2020 Mar;30(3):380-388. PMID: 32024448. Nilbert M et al. Broad phenotypic spectrum in familial adenomatous polyposis; from early onset and severe phenotypes to late onset of attenuated polyposis with the first manifestation at age 72. BMC Med Genet. 2008 Nov 26;9:101. PMID: 19036155. Plawski A et al. Novel germline mutations in the adenomatous polyposis coli gene in Polish families with familial adenomatous polyposis. J Med Genet. 2004 Jan. PMID: 14729851. Thirlwell C et al. Clonality assessment and clonal ordering of individual neoplastic crypts shows polyclonality of colorectal adenomas. Gastroenterology. 2010 Apr;138(4):1441-54, 1454.e1-7. PMID: 20102718.

Labcorp Genetics (formerly Invitae), Labcorp
Classification: Pathogenic for Familial adenomatous polyposis 1. Last evaluated: 2024-12-06. Review status: criteria provided, single submitter. Criteria: Invitae Variant Classification Sherloc (09022015). Collection method: clinical testing. Allele origin: germline.
Comment: This sequence change creates a premature translational stop signal (p.Ile1307Argfs*6) in the APC gene. While this is not anticipated to result in nonsense mediated decay, it is expected to disrupt the last 1537 amino acid(s) of the APC protein. This variant is not present in population databases (gnomAD no frequency). This premature translational stop signal has been observed in individual(s) with APC-related conditions (PMID: 23159591). ClinVar contains an entry for this variant (Variation ID: 419999). This variant is expected to disrupt the EB1 and HDLG binding sites, which mediate interactions with the cytoskeleton (PMID: 15311282, 17293347). While functional studies have not been performed to directly test the effect on APC protein function, this suggests that disruption of the C-terminal portion of the protein is functionally important. A different truncation (p.Tyr2645Lysfs*14) that lies downstream of this variant has been determined to be pathogenic (PMID: 9824584, 1316610, 27081525, 8381579, 22135120, internal data). This suggests that deletion of this region of the APC protein is causative of disease. For these reasons, this variant has been classified as Pathogenic.

GeneDx
Classification: Pathogenic. Last evaluated: 2023-06-21. Review status: criteria provided, single submitter. Criteria: GeneDx Variant Classification Process June 2021. Collection method: clinical testing. Allele origin: germline. Affected: yes.
Comment: Frameshift variant predicted to result in protein truncation or nonsense mediated decay in a gene for which loss of function is a known mechanism of disease; Not observed at significant frequency in large population cohorts (gnomAD); Observed in multiple families with familial adenomatous polyposis referred for genetic testing at GeneDx and in the published literature (Kerr et al., 2013; Giang et al., 2018); This variant is associated with the following publications: (PMID: 23159591, 26269718, 23085758, 25801821, 30340471)

Myriad Genetics, Inc.
Classification: Pathogenic for Familial adenomatous polyposis 1. Last evaluated: 2023-05-09. Review status: criteria provided, single submitter. Criteria: Myriad Autosomal Dominant, Autosomal Recessive and X-Linked Classification Criteria (2023). Collection method: clinical testing. Allele origin: unknown.
Comment: This variant is considered pathogenic. This variant creates a frameshift predicted to result in premature protein truncation.

Ambry Genetics
Classification: Pathogenic for Hereditary cancer-predisposing syndrome. Last evaluated: 2023-02-06. Review status: criteria provided, single submitter. Criteria: Ambry Variant Classification Scheme 2023. Collection method: clinical testing. Allele origin: germline.
Comment: The c.3920_3924delTAAAA pathogenic mutation, located in coding exon 15 of the APC gene, results from a deletion of 5 nucleotides at nucleotide positions 3920 to 3924, causing a translational frameshift with a predicted alternate stop codon (p.I1307Rfs*6). This alteration occurs at the 3' terminus of the APC gene and is not expected to trigger nonsense-mediated mRNA decay. However, premature stop codons are typically deleterious in nature, a significant portion of the protein is affected, and the impacted region is critical for protein function (Ambry internal data). This mutation has been identified in 2/1591 polyposis patients (Kerr SE et al. J Mol Diagn. 2013 Jan;15:31-43). This variant is considered to be rare based on population cohorts in the Genome Aggregation Database (gnomAD). In addition to the clinical data presented in the literature, this alteration is expected to result in loss of function by premature protein truncation. As such, this alteration is interpreted as a disease-causing mutation.

Department of Pathology and Laboratory Medicine, Sinai Health System
Classification: Pathogenic for Carcinoma of colon. Review status: no assertion criteria provided. Collection method: clinical testing. Allele origin: unknown. Affected: yes. Study: The Canadian Open Genetics Repository (COGR). Not counted in ClinVar's aggregate classification.
Comment: The APC p.Ile1307ArgfsX6 variant was identified in 2 of 164 proband chromosomes (frequency: 0.012) from individuals or families with FAP (De Benedetti, 1994; Thirlwell, 2010). The variant was also identified in HGMD, COSMIC, MutDB, and UMD (1X as an unclassified variant). The p. Ile1307ArgfsX6 deletion is predicted to cause a frameshift, which alters the protein's amino acid sequence beginning at codon 1307 and leads to a premature stop codon 6 codons downstream. This alteration is then predicted to result in a truncated or absent protein and loss of function. Loss of function variants of the APC gene are an established mechanism of disease in familial adenomatous polyposis and is the type of variant expected to cause the disorder. In summary, based on the above information, this variant meets our laboratoryâ€šÃ„Ã´s criteria to be classified as pathogenic.

Literature cited by the submitters: PubMed 23159591 (cited by Labcorp Genetics (formerly Invitae), Labcorp and Ambry Genetics); PubMed 15311282 (cited by Labcorp Genetics (formerly Invitae), Labcorp); PubMed 17293347 (cited by Labcorp Genetics (formerly Invitae), Labcorp); PubMed 9824584 (cited by Labcorp Genetics (formerly Invitae), Labcorp); PubMed 1316610 (cited by Labcorp Genetics (formerly Invitae), Labcorp); PubMed 27081525 (cited by Labcorp Genetics (formerly Invitae), Labcorp); PubMed 8381579 (cited by Labcorp Genetics (formerly Invitae), Labcorp); PubMed 22135120 (cited by Labcorp Genetics (formerly Invitae), Labcorp).

NM_000038.6(APC):c.3920_3924del (p.Ile1307fs)

Gene: APC (APC regulator of Wnt signaling pathway; plus strand). Cytogenetic location: 5q22.2.
Variant type: Deletion.
Coding change: c.3920_3924del on transcript NM_000038.6 (MANE Select); coding-DNA positions 3920 to 3924, 5 bases deleted (TAAAA; older notation c.3920_3924delTAAAA).
Protein change: p.Ile1307fs; shifts the reading frame from isoleucine 1307.
Molecular consequence: frameshift variant.
Genome position (GRCh38, 1-based): chr5:112,839,514-112,839,518, TAAAA deleted; deleting any 5 consecutive bases within chr5:112,839,511-112,839,518 gives the same sequence; the c. name uses the placement nearest the transcript's 3' end. VCF-style (leftmost placement, unchanged base first): chr5-112839510-GAAATA-G. GRCh37 (hg19) VCF-style: chr5-112175207-GAAATA-G.
Other names: c.3920_3924del, p.Ile1307fs (NM_001127510.3, NM_001354895.2); c.3866_3870del, p.Ile1289fs (NM_001127511.3); c.3974_3978del, p.Ile1325fs (NM_001354896.2); c.3950_3954del, p.Ile1317fs (NM_001354897.2); c.3845_3849del, p.Ile1282fs (NM_001354898.2); c.3836_3840del, p.Ile1279fs (NM_001354899.2); c.3797_3801del, p.Ile1266fs (NM_001354900.2); c.3743_3747del, p.Ile1248fs (NM_001354901.2); and 6 more; short protein forms I1024fs, I1147fs, I1279fs, I1289fs, I1181fs, I1206fs, I1216fs, I1307fs.
Identifiers: ClinVar variation 419999 (VCV000419999.21), dbSNP rs1064794229, ClinGen allele CA16618084.